The following is an entry in ClinVar:

NM_199420.4(POLQ):c.3800A>C (p.Glu1267Ala)

Gene: POLQ (DNA polymerase theta; minus strand). Cytogenetic location: 3q13.33.
Variant type: single nucleotide variant.
Coding change: c.3800A>C on transcript NM_199420.4 (MANE Select); coding-DNA position 3800, A replaced by C.
Protein change: p.Glu1267Ala; replaces glutamic acid 1267 with alanine.
Molecular consequence: missense variant.
Genome position (GRCh38, 1-based): chr3:121,489,131, T>G on the plus strand (A>C on the coding strand, the complement: POLQ is on the minus strand). VCF-style: chr3-121489131-T-G. GRCh37 (hg19) VCF-style: chr3-121207978-T-G.
Other names: short protein forms E1267A.
Identifiers: ClinVar variation 1735066 (VCV001735066.2), dbSNP rs2546786924, ClinGen allele CA354097191.
Genomic context (GRCh38, chr3:121,489,131, plus strand): 5'-TTTAGAAAATTCTCATGCTGGCCTTCTGATTTGCTAAATGCTCCAGCTGATGGAAGTACT[T>G]CACTGGGTATCACAGTTCTGCTTATATCATCTCCTAATGCCTGAAAATGACTTGGTTTAT-3'
Protein context (NP_955452.3, residues 1257-1277): DDISRTVIPS[Glu1267Ala]VLPSAGAFSK

ClinVar aggregate classification (germline): Uncertain significance (1 of 4 stars; one submission).

Submission:

Ambry Genetics
Classification: Uncertain significance. Last evaluated: 2022-05-15. Review status: criteria provided, single submitter. Criteria: Ambry Variant Classification Scheme 2023. Collection method: clinical testing. Allele origin: germline.
Comment: The p.E1267A variant (also known as c.3800A>C), located in coding exon 16 of the POLQ gene, results from an A to C substitution at nucleotide position 3800. The glutamic acid at codon 1267 is replaced by alanine, an amino acid with dissimilar properties. This amino acid position is conserved. In addition, this alteration is predicted to be tolerated by in silico analysis. Since supporting evidence is limited at this time, the clinical significance of this alteration remains unclear.